The following is an entry in ClinVar:

NM_005188.4(CBL):c.1895C>T (p.Pro632Leu)

Gene: CBL (Cbl proto-oncogene; plus strand). Cytogenetic location: 11q23.3.
Variant type: single nucleotide variant.
Coding change: c.1895C>T on transcript NM_005188.4 (MANE Select); coding-DNA position 1895, C replaced by T.
Protein change: p.Pro632Leu; replaces proline 632 with leucine.
Molecular consequence: missense variant.
Genome position (GRCh38, 1-based): chr11:119,285,520, C>T. VCF-style: chr11-119285520-C-T. GRCh37 (hg19) VCF-style: chr11-119156230-C-T.
Other names: short protein forms P632L.
Identifiers: ClinVar variation 3827799 (VCV003827799.1).

ClinVar aggregate classification (germline): Uncertain significance (1 of 4 stars; one submission).

Conditions:
Cardiovascular phenotype. Identifiers: MedGen CN230736.

gnomAD v4.1: 6 of 1,613,996 alleles (0.00037%); highest among the groups gnomAD compares: South Asian, 0.0011%; no homozygotes.

Submission:

Ambry Genetics
Classification: Uncertain significance for Cardiovascular phenotype. Last evaluated: 2025-01-04. Review status: criteria provided, single submitter. Criteria: Ambry Variant Classification Scheme 2023. Collection method: clinical testing. Allele origin: germline.
Comment: The p.P632L variant (also known as c.1895C>T), located in coding exon 11 of the CBL gene, results from a C to T substitution at nucleotide position 1895. The proline at codon 632 is replaced by leucine, an amino acid with similar properties. This amino acid position is conserved. In addition, this alteration is predicted to be tolerated by in silico analysis. Based on the available evidence, the clinical significance of this variant remains unclear.